The following is an entry in ClinVar:

NM_001421.4(ELF4):c.1508C>T (p.Thr503Met)

Gene: ELF4 (E74 like ETS transcription factor 4; minus strand). Cytogenetic location: Xq26.1.
Variant type: single nucleotide variant.
Coding change: c.1508C>T on transcript NM_001421.4 (MANE Select); coding-DNA position 1508, C replaced by T.
Protein change: p.Thr503Met; replaces threonine 503 with methionine.
Molecular consequence: missense variant.
Genome position (GRCh38, 1-based): chrX:130,067,205, G>A on the plus strand (C>T on the coding strand, the complement: ELF4 is on the minus strand). VCF-style: chrX-130067205-G-A. GRCh37 (hg19) VCF-style: chrX-129201180-G-A.
Other names: c.1508C>T, p.Thr503Met (NM_001127197.2); short protein forms T503M.
Identifiers: ClinVar variation 3768777 (VCV003768777.1).
Genomic context (GRCh38, chrX:130,067,205, plus strand): 5'-GCAGCAATGACAGTCCCAGGGGGCTGAGAGCTGGGCCCTGCTGGTCCAGCCCCTGTGACC[G>A]TGGGTGGCGCCGGGTTGGTCGGACGGTTGGCCCCAGCCAGAAGTTGGGGGAGGCCACTGA-3'
Protein context (NP_001412.1, residues 493-513): ANRPTNPAPP[Thr503Met]VTGAGPAGPS

ClinVar aggregate classification (germline): Uncertain significance (1 of 4 stars; one submission).

Submission:

Women's Health and Genetics/Laboratory Corporation of America, LabCorp
Classification: Uncertain significance. Last evaluated: 2025-02-04. Review status: criteria provided, single submitter. Criteria: LabCorp Variant Classification Summary - May 2015. Collection method: clinical testing. Allele origin: germline.
Comment: Variant summary: ELF4 c.1508C>T (p.Thr503Met) results in a non-conservative amino acid change in the encoded protein sequence. Four of five in-silico tools predict a benign effect of the variant on protein function. The variant allele was found at a frequency of 5.6e-06 in 179663 control chromosomes (gnomAD). The available data on variant occurrences in the general population are insufficient to allow any conclusion about variant significance. To our knowledge, no occurrence of c.1508C>T in individuals affected with Autoinflammatory syndrome, familial, X-linked, Behcet-like 2 and no experimental evidence demonstrating its impact on protein function have been reported. No submitters have cited clinical-significance assessments for this variant to ClinVar. Based on the evidence outlined above, the variant was classified as uncertain significance.